The following is an entry in ClinVar:

NM_001754.5(RUNX1):c.99T>A (p.Asp33Glu)

Gene: RUNX1 (RUNX family transcription factor 1; minus strand). Cytogenetic location: 21q22.12.
Variant type: single nucleotide variant.
Coding change: c.99T>A on transcript NM_001754.5 (MANE Select); coding-DNA position 99, T replaced by A.
Protein change: p.Asp33Glu; replaces aspartic acid 33 with glutamic acid.
Molecular consequence: missense variant.
Genome position (GRCh38, 1-based): chr21:34,887,095, A>T on the plus strand (T>A on the coding strand, the complement: RUNX1 is on the minus strand). VCF-style: chr21-34887095-A-T. GRCh37 (hg19) VCF-style: chr21-36259392-A-T.
Other names: c.18T>A, p.Asp6Glu (NM_001001890.3, NM_001122607.2); short protein forms D33E, D6E.
Identifiers: ClinVar variation 4158183 (VCV004158183.1).

ClinVar aggregate classification (germline): Uncertain significance (1 of 4 stars; one submission).

Conditions:
Inborn genetic diseases. Identifiers: MedGen C0950123, MeSH D030342.

gnomAD v4.1: 2 of 1,598,108 alleles (0.00013%); highest among the groups gnomAD compares: South Asian, 0.0022%; no homozygotes.

Submission:

Ambry Genetics
Classification: Uncertain significance for Inborn genetic diseases. Last evaluated: 2025-07-15. Review status: criteria provided, single submitter. Criteria: Ambry Variant Classification Scheme 2023. Collection method: clinical testing. Allele origin: germline.
Comment: The p.D33E variant (also known as c.99T>A), located in coding exon 3 of the RUNX1 gene, results from a T to A substitution at nucleotide position 99. The aspartic acid at codon 33 is replaced by glutamic acid, an amino acid with highly similar properties. This amino acid position is not well conserved in available vertebrate species. In addition, the in silico prediction for this alteration is inconclusive. Based on the available evidence, the clinical significance of this variant remains unclear.